The following is an entry in ClinVar:

ClinVar aggregate classification (germline): Uncertain significance (1 of 4 stars; one submission).

Submission:

Labcorp Genetics (formerly Invitae), Labcorp
Classification: Uncertain significance. Last evaluated: 2025-10-22. Review status: criteria provided, single submitter. Criteria: Invitae Variant Classification Sherloc (09022015). Collection method: clinical testing. Allele origin: germline.
Comment: This sequence change replaces serine, which is neutral and polar, with lysine, which is basic and polar, at codon 765 of the ABCA4 protein (p.Ser765Lys). Information on the frequency of this variant in the gnomAD database is not available, as this variant may be reported differently in the database. This missense change has been observed in individual(s) with Stargardt disease (internal data). ClinVar contains an entry for this variant (Variation ID: 967550). An algorithm developed to predict the effect of missense changes on protein structure and function (PolyPhen-2) suggests that this variant is likely to be disruptive. This variant disrupts the p.Ser765 amino acid residue in ABCA4. Other variant(s) that disrupt this residue have been determined to be pathogenic (PMID: 26355662, 33375396; internal data). This suggests that this residue is clinically significant, and that variants that disrupt this residue are likely to be disease-causing. In summary, the available evidence is currently insufficient to determine the role of this variant in disease. Therefore, it has been classified as a Variant of Uncertain Significance.

Literature cited by the submitters: PubMed 26355662; PubMed 33375396.

NM_000350.3(ABCA4):c.2294_2295delinsAA (p.Ser765Lys)

Gene: ABCA4 (ATP binding cassette subfamily A member 4; minus strand). Cytogenetic location: 1p22.1.
Variant type: Indel.
Coding change: c.2294_2295delinsAA on transcript NM_000350.3 (MANE Select); coding-DNA positions 2294 to 2295, GT replaced by AA.
Protein change: p.Ser765Lys; replaces serine 765 with lysine.
Molecular consequence: missense variant.
Genome position (GRCh38, 1-based): chr1:94,056,688-94,056,689, AC replaced by TT on the plus strand (GT replaced by AA on the coding strand, the reverse complement: ABCA4 is on the minus strand). VCF-style: chr1-94056688-AC-TT. GRCh37 (hg19) VCF-style: chr1-94522244-AC-TT.
Other names: short protein forms S765K.
Identifiers: ClinVar variation 967550 (VCV000967550.9), dbSNP rs1660985683, ClinGen allele CA1139656229.